The following is an entry in ClinVar:

NM_001556.3(IKBKB):c.1136G>T (p.Gly379Val)

Gene: IKBKB (inhibitor of nuclear factor kappa B kinase subunit beta; plus strand). Cytogenetic location: 8p11.21.
Variant type: single nucleotide variant.
Coding change: c.1136G>T on transcript NM_001556.3 (MANE Select); coding-DNA position 1136, G replaced by T.
Protein change: p.Gly379Val; replaces glycine 379 with valine.
Molecular consequence: missense variant. On other transcripts: non-coding transcript variant (2).
Genome position (GRCh38, 1-based): chr8:42,317,667, G>T. VCF-style: chr8-42317667-G-T. GRCh37 (hg19) VCF-style: chr8-42175185-G-T.
Other names: c.944G>T, p.Gly315Val (NM_001190720.3); c.959G>T, p.Gly320Val (NM_001242778.2); short protein forms G320V, G379V, G315V.
Identifiers: ClinVar variation 2064985 (VCV002064985.3), dbSNP rs761487832, ClinGen allele CA4731915.

ClinVar aggregate classification (germline): Uncertain significance (1 of 4 stars; one submission).

Conditions:
Severe combined immunodeficiency due to IKK2 deficiency. Also called: IMMUNODEFICIENCY 15B; Immunodeficiency 15. Identifiers: Orphanet 397787, MedGen C4747743, MONDO:0014267, OMIM 615592.

Allele frequency attached by ClinVar (database versions not stated): gnomAD exomes below 0.00001; ExAC 0.00002.
gnomAD v4.1: 4 of 1,610,458 alleles (0.00025%); highest among the groups gnomAD compares: East Asian, 0.0089%; no homozygotes.

Submission:

Labcorp Genetics (formerly Invitae), Labcorp
Classification: Uncertain significance for Severe combined immunodeficiency due to IKK2 deficiency. Last evaluated: 2022-06-17. Review status: criteria provided, single submitter. Criteria: Invitae Variant Classification Sherloc (09022015). Collection method: clinical testing. Allele origin: germline.
Comment: This sequence change replaces glycine, which is neutral and non-polar, with valine, which is neutral and non-polar, at codon 379 of the IKBKB protein (p.Gly379Val). This variant is present in population databases (rs761487832, gnomAD 0.02%). This variant has not been reported in the literature in individuals affected with IKBKB-related conditions. Advanced modeling of protein sequence and biophysical properties (such as structural, functional, and spatial information, amino acid conservation, physicochemical variation, residue mobility, and thermodynamic stability) performed at Invitae indicates that this missense variant is not expected to disrupt IKBKB protein function. In summary, the available evidence is currently insufficient to determine the role of this variant in disease. Therefore, it has been classified as a Variant of Uncertain Significance.